The following is an entry in ClinVar:

ClinVar aggregate classification (germline): Uncertain significance (1 of 4 stars; one submission).

Submission:

Labcorp Genetics (formerly Invitae), Labcorp
Classification: Uncertain significance. Last evaluated: 2022-06-22. Review status: criteria provided, single submitter. Criteria: Invitae Variant Classification Sherloc (09022015). Collection method: clinical testing. Allele origin: germline.
Comment: In summary, the available evidence is currently insufficient to determine the role of this variant in disease. Therefore, it has been classified as a Variant of Uncertain Significance. This variant has not been reported in the literature in individuals affected with ANKZF1-related conditions. This variant is not present in population databases (gnomAD no frequency). This sequence change creates a premature translational stop signal (p.Gln632*) in the ANKZF1 gene. It is expected to result in an absent or disrupted protein product. However, the current clinical and genetic evidence is not sufficient to establish whether loss-of-function variants in ANKZF1 cause disease.

NM_018089.3(ANKZF1):c.1894C>T (p.Gln632Ter)

Gene: ANKZF1 (ankyrin repeat and zinc finger peptidyl tRNA hydrolase 1; plus strand). Cytogenetic location: 2q35.
Variant type: single nucleotide variant.
Coding change: c.1894C>T on transcript NM_018089.3 (MANE Select); coding-DNA position 1894, C replaced by T.
Protein change: p.Gln632Ter; replaces glutamine 632 with a stop codon.
Molecular consequence: nonsense.
Genome position (GRCh38, 1-based): chr2:219,235,798, C>T. VCF-style: chr2-219235798-C-T. GRCh37 (hg19) VCF-style: chr2-220100520-C-T.
Other names: c.1894C>T, p.Gln632Ter (NM_001042410.2); c.1264C>T, p.Gln422Ter (NM_001282792.2); short protein forms Q422*, Q632*.
Identifiers: ClinVar variation 2009483 (VCV002009483.4), dbSNP rs1347276111, ClinGen allele CA350687867.